The following is an entry in ClinVar:

NM_006915.3(RP2):c.102+3A>T

Gene: RP2 (RP2 activator of ARL3 GTPase; plus strand). Cytogenetic location: Xp11.3.
Variant type: single nucleotide variant.
Coding change: c.102+3A>T on transcript NM_006915.3 (MANE Select); 3 bases into the intron after coding-DNA position 102, A replaced by T.
Molecular consequence: intron variant.
Genome position (GRCh38, 1-based): chrX:46,837,205, A>T. VCF-style: chrX-46837205-A-T. GRCh37 (hg19) VCF-style: chrX-46696640-A-T.
Identifiers: ClinVar variation 2138558 (VCV002138558.4), dbSNP rs1556313557, ClinGen allele CA2580101000.

ClinVar aggregate classification (germline): Likely pathogenic (1 of 4 stars; one submission).

Submission:

Labcorp Genetics (formerly Invitae), Labcorp
Classification: Likely pathogenic. Last evaluated: 2026-01-26. Review status: criteria provided, single submitter. Criteria: Invitae Variant Classification Sherloc (09022015). Collection method: clinical testing. Allele origin: germline.
Comment: This sequence change falls in intron 1 of the RP2 gene. It does not directly change the encoded amino acid sequence of the RP2 protein. It affects a nucleotide within the consensus splice site. This variant is not present in population databases (gnomAD no frequency). This variant has been observed in individuals with retinitis pigmentosa (PMID: 10937588; internal data). This variant is also known as IVS1+3A>T. ClinVar contains an entry for this variant (Variation ID: 2138558). Variants that disrupt the consensus splice site are a relatively common cause of aberrant splicing (PMID: 17576681, 9536098). Algorithms developed to predict the effect of sequence changes on RNA splicing suggest that this variant may disrupt the consensus splice site. This variant disrupts the c.102+3A nucleotide in the RP2 gene. Other variant(s) that disrupt this nucleotide have been determined to be pathogenic (PMID: 11992260, 28714225). This suggests that this nucleotide is clinically significant, and that variants that disrupt this position are likely to be disease-causing. In summary, the currently available evidence indicates that the variant is pathogenic, but additional data are needed to prove that conclusively. Therefore, this variant has been classified as Likely Pathogenic.

Literature cited by the submitters: PubMed 10937588; PubMed 17576681; PubMed 9536098; PubMed 11992260; PubMed 28714225.